The following is an entry in ClinVar:

NM_001164508.2(NEB):c.5211_5213del (p.Asn1737del)

Gene: NEB (nebulin; minus strand). Cytogenetic location: 2q23.3.
Variant type: Deletion.
Coding change: c.5211_5213del on transcript NM_001164508.2 (MANE Select); coding-DNA positions 5211 to 5213, 3 bases deleted (CAA; older notation c.5211_5213delCAA).
Protein change: p.Asn1737del; deletes asparagine 1737.
Molecular consequence: inframe deletion.
Genome position (GRCh38, 1-based): chr2:151,665,358-151,665,360, TTG deleted on the plus strand (CAA on the coding strand, the reverse complement: NEB is on the minus strand); deleting any 3 consecutive bases within chr2:151,665,358-151,665,362 gives the same sequence; the c. name uses the placement nearest the transcript's 3' end. VCF-style (leftmost placement, unchanged base first): chr2-151665357-CTTG-C. GRCh37 (hg19) VCF-style: chr2-152521871-CTTG-C.
Other names: c.5211_5213del, p.Asn1737del (NM_001164507.2, NM_001271208.2, NM_004543.5); short protein forms N1737del.
Identifiers: ClinVar variation 534029 (VCV000534029.8), dbSNP rs1553491789, ClinGen allele CA658795890.
Genomic context (GRCh38, chr2:151,665,357, plus strand): 5'-GGGTTCCCTGGGCGAGGCTGGCAGGTGAGTCCTTACCTTGTCCATGTTCAGTTTGTTACT[CTTG>C]TTAAGTGCCTGTTCCATTGTGTCCATGGCGTAAGTGAACTTCAGCTTCTCGGGGTGCTGG-3'

ClinVar aggregate classification (germline): Uncertain significance (1 of 4 stars; one submission).

Conditions:
Nemaline myopathy 2 (NEM2). Also called: Nemaline myopathy 2, autosomal recessive. Identifiers: MedGen C1850569, MONDO:0009725, OMIM 256030.

Submission:

Labcorp Genetics (formerly Invitae), Labcorp
Classification: Uncertain significance for Nemaline myopathy 2. Last evaluated: 2023-10-03. Review status: criteria provided, single submitter. Criteria: Invitae Variant Classification Sherloc (09022015). Collection method: clinical testing. Allele origin: germline.
Comment: This variant, c.5211_5213del, results in the deletion of 1 amino acid(s) of the NEB protein (p.Asn1737del), but otherwise preserves the integrity of the reading frame. This variant is not present in population databases (gnomAD no frequency). This variant has not been reported in the literature in individuals affected with NEB-related conditions. ClinVar contains an entry for this variant (Variation ID: 534029). Experimental studies and prediction algorithms are not available or were not evaluated, and the functional significance of this variant is currently unknown. In summary, the available evidence is currently insufficient to determine the role of this variant in disease. Therefore, it has been classified as a Variant of Uncertain Significance.